The following is an entry in ClinVar:

NM_003620.4(PPM1D):c.321C>T (p.His107=)

Gene: PPM1D (protein phosphatase, Mg2+/Mn2+ dependent 1D; plus strand). Cytogenetic location: 17q23.2.
Variant type: single nucleotide variant.
Coding change: c.321C>T on transcript NM_003620.4 (MANE Select); coding-DNA position 321, C replaced by T.
Protein change: p.His107=; no amino-acid change (histidine 107 retained).
Molecular consequence: synonymous variant.
Genome position (GRCh38, 1-based): chr17:60,600,735, C>T. VCF-style: chr17-60600735-C-T. GRCh37 (hg19) VCF-style: chr17-58678096-C-T.
Identifiers: ClinVar variation 5038920 (VCV005038920.1).

ClinVar aggregate classification (germline): Likely benign (1 of 4 stars; one submission).

gnomAD v4.1: 21 of 1,610,430 alleles (0.0013%); highest among the groups gnomAD compares: Middle Eastern, 0.016%; no homozygotes.

Submission:

CeGaT Center for Human Genetics Tuebingen
Classification: Likely benign. Last evaluated: 2026-08-01. Review status: criteria provided, single submitter. Criteria: CeGaT Center For Human Genetics Tuebingen Variant Classification Criteria Version 2. Collection method: clinical testing. Allele origin: germline. Affected: yes. Observed: 1 variant allele.
Comment: PPM1D: BP4, BP7